The following is an entry in ClinVar:

NM_004500.4(HNRNPC):c.876C>G (p.Asp292Glu)

Gene: HNRNPC (heterogeneous nuclear ribonucleoprotein C; minus strand). Cytogenetic location: 14q11.2.
Variant type: single nucleotide variant.
Coding change: c.876C>G on transcript NM_004500.4 (MANE Select); coding-DNA position 876, C replaced by G.
Protein change: p.Asp292Glu; replaces aspartic acid 292 with glutamic acid.
Molecular consequence: missense variant.
Genome position (GRCh38, 1-based): chr14:21,211,229, G>C on the plus strand (C>G on the coding strand, the complement: HNRNPC is on the minus strand). VCF-style: chr14-21211229-G-C. GRCh37 (hg19) VCF-style: chr14-21679388-G-C.
Other names: c.915C>G, p.Asp305Glu (NM_001077442.2, NM_031314.3); c.876C>G, p.Asp292Glu (NM_001077443.2); short protein forms D292E, D305E.
Identifiers: ClinVar variation 3777265 (VCV003777265.1).
Genomic context (GRCh38, chr14:21,211,229, plus strand): 5'-CAAGCGCCTAGGTAAAGAAATAATGGGATAAGATTTCTAAACCCCACTATGTGCTTAAGA[G>C]TCATCCTCGCCATTGGCGCTGTCTCTGTCATCCTCTCCTTCCTCAGCCTCTTTTTCATCA-3'
Protein context (NP_004491.2, residues 282-293): DDRDSANGED[Asp292Glu]S

ClinVar aggregate classification (germline): Uncertain significance (1 of 4 stars; one submission).

gnomAD v4.1: 1 of 1,613,870 alleles (0.000062%); highest among the groups gnomAD compares: Non-Finnish European, 0.000085%; no homozygotes.

Submission:

GeneDx
Classification: Uncertain significance. Last evaluated: 2024-10-11. Review status: criteria provided, single submitter. Criteria: GeneDx Variant Classification Process June 2021. Collection method: clinical testing. Allele origin: germline. Affected: yes.
Comment: Not observed at significant frequency in large population cohorts (gnomAD); In silico analysis indicates that this missense variant does not alter protein structure/function; Has not been previously published as pathogenic or benign to our knowledge